The following is an entry in ClinVar:

NM_002241.5(KCNJ10):c.574G>A (p.Gly192Ser)

Gene: KCNJ10 (potassium inwardly rectifying channel subfamily J member 10; minus strand). Cytogenetic location: 1q23.2.
Variant type: single nucleotide variant.
Coding change: c.574G>A on transcript NM_002241.5 (MANE Select); coding-DNA position 574, G replaced by A.
Protein change: p.Gly192Ser; replaces glycine 192 with serine.
Molecular consequence: missense variant.
Genome position (GRCh38, 1-based): chr1:160,041,959, C>T on the plus strand (G>A on the coding strand, the complement: KCNJ10 is on the minus strand). VCF-style: chr1-160041959-C-T. GRCh37 (hg19) VCF-style: chr1-160011749-C-T.
Other names: short protein forms G192S.
Identifiers: ClinVar variation 3637685 (VCV003637685.2).

ClinVar aggregate classification (germline): Uncertain significance (1 of 4 stars; one submission).

Conditions:
EAST syndrome (SESAMES). Also called: SEIZURES, SENSORINEURAL DEAFNESS, ATAXIA, IMPAIRED INTELLECTUAL DEVELOPMENT, AND ELECTROLYTE IMBALANCE. Identifiers: Orphanet 199343, MedGen C2748572, MONDO:0013005, OMIM 612780.

Submission:

Labcorp Genetics (formerly Invitae), Labcorp
Classification: Uncertain significance for EAST syndrome. Last evaluated: 2024-10-10. Review status: criteria provided, single submitter. Criteria: Invitae Variant Classification Sherloc (09022015). Collection method: clinical testing. Allele origin: germline.
Comment: This sequence change replaces glycine, which is neutral and non-polar, with serine, which is neutral and polar, at codon 192 of the KCNJ10 protein (p.Gly192Ser). This variant is not present in population databases (gnomAD no frequency). This variant has not been reported in the literature in individuals affected with KCNJ10-related conditions. Invitae Evidence Modeling of protein sequence and biophysical properties (such as structural, functional, and spatial information, amino acid conservation, physicochemical variation, residue mobility, and thermodynamic stability) has been performed for this missense variant. However, the output from this modeling did not meet the statistical confidence thresholds required to predict the impact of this variant on KCNJ10 protein function. In summary, the available evidence is currently insufficient to determine the role of this variant in disease. Therefore, it has been classified as a Variant of Uncertain Significance.